The following is an entry in ClinVar:

NM_001876.4(CPT1A):c.704G>A (p.Trp235Ter)

Gene: CPT1A (carnitine palmitoyltransferase 1A; minus strand). Cytogenetic location: 11q13.3.
Variant type: single nucleotide variant.
Coding change: c.704G>A on transcript NM_001876.4 (MANE Select); coding-DNA position 704, G replaced by A.
Protein change: p.Trp235Ter; replaces tryptophan 235 with a stop codon.
Molecular consequence: nonsense.
Genome position (GRCh38, 1-based): chr11:68,796,923, C>T on the plus strand (G>A on the coding strand, the complement: CPT1A is on the minus strand). VCF-style: chr11-68796923-C-T. GRCh37 (hg19) VCF-style: chr11-68564391-C-T.
Other names: c.704G>A (NM_001876.3); c.704G>A, p.Trp235Ter (NM_001031847.3); short protein forms W235*.
Identifiers: ClinVar variation 1999606 (VCV001999606.6), dbSNP rs1855769135, ClinGen allele CA381634935.
Genomic context (GRCh38, chr11:68,796,923, plus strand): 5'-TAATAGTTGCTGTTCACCATGAGCGGCCCTCGTCCTCGGAGGTAGATGTACTCCTCCCAC[C>T]AGTCGCTCACCTAGTGGGCGCAAACACCAGACAAACCCGCAGGCTCAGCAGGGGCCAGGC-3'

ClinVar aggregate classification (germline): Pathogenic/Likely pathogenic. Review status: criteria provided, multiple submitters, no conflicts (2 of 4 stars). 3 submissions from 3 submitters: Pathogenic (1); Likely pathogenic (2). Last evaluated 2024-10-09.

Conditions:
Carnitine palmitoyl transferase 1A deficiency. Also called: Carnitine palmitoyltransferase 1A deficiency; Carnitine palmitoyltransferase type I deficiency; CPT deficiency, hepatic, type IA; CPT I DEFICIENCY; CPT DEFICIENCY, HEPATIC, TYPE I. Identifiers: Orphanet 156, MedGen C1829703, MONDO:0009705, OMIM 255120.

Allele frequency attached by ClinVar (database versions not stated): gnomAD 0.00001.
gnomAD v4.1: 1 of 1,613,814 alleles (0.000062%); highest among the groups gnomAD compares: Admixed American, 0.0017%; no homozygotes.

Submissions (3):

Natera, Inc.
Classification: Likely pathogenic for Carnitine palmitoyltransferase type I deficiency. Last evaluated: 2024-10-09. Review status: criteria provided, single submitter. Criteria: Natera Variant Classification Schema (03/2026). Collection method: clinical testing. Allele origin: germline.
Comment: The c.704G>A variant in CPT1A is a nonsense variant predicted to introduce a stop codon at amino acid 235. This variant is expected to result in nonsense mediated decay, truncation, or a dysfunctional protein product. This variant is rare in the general population with a frequency below the threshold expected for the associated phenotype(s). Given the available evidence, this variant is classified as Likely Pathogenic.

Labcorp Genetics (formerly Invitae), Labcorp
Classification: Pathogenic for Carnitine palmitoyl transferase 1A deficiency. Last evaluated: 2024-02-08. Review status: criteria provided, single submitter. Criteria: Invitae Variant Classification Sherloc (09022015). Collection method: clinical testing. Allele origin: germline.
Comment: This sequence change creates a premature translational stop signal (p.Trp235*) in the CPT1A gene. It is expected to result in an absent or disrupted protein product. Loss-of-function variants in CPT1A are known to be pathogenic (PMID: 16169268). This variant is not present in population databases (gnomAD no frequency). This variant has not been reported in the literature in individuals affected with CPT1A-related conditions. ClinVar contains an entry for this variant (Variation ID: 1999606). For these reasons, this variant has been classified as Pathogenic.

Fulgent Genetics
Classification: Likely pathogenic for Carnitine palmitoyl transferase 1A deficiency. Last evaluated: 2024-02-06. Review status: criteria provided, single submitter. Criteria: ACMG Guidelines, 2015. Collection method: clinical testing. Allele origin: germline.

Literature cited by the submitters: PubMed 16169268 (cited by Labcorp Genetics (formerly Invitae), Labcorp).